The following is an entry in ClinVar:

NM_134261.3(RORA):c.1014C>A (p.Ala338=)

Genes: RORA (RAR related orphan receptor A; minus strand), RORA-AS1 (RORA antisense RNA 1; plus strand). Cytogenetic location: 15q22.2.
Variant type: single nucleotide variant.
Coding change: c.1014C>A on transcript NM_134261.3 (MANE Select); coding-DNA position 1014, C replaced by A.
Protein change: p.Ala338=; no amino-acid change (alanine 338 retained).
Molecular consequence: synonymous variant.
Genome position (GRCh38, 1-based): chr15:60,503,596, G>T on the plus strand (C>A on the coding strand, the complement: RORA is on the minus strand). VCF-style: chr15-60503596-G-T. GRCh37 (hg19) VCF-style: chr15-60795795-G-T.
Other names: c.1089C>A, p.Ala363= (NM_002943.4); c.1113C>A, p.Ala371= (NM_134260.3); c.849C>A, p.Ala283= (NM_134262.3).
Identifiers: ClinVar variation 3047218 (VCV003047218.2), dbSNP rs1047109483, ClinGen allele CA271861100.
Genomic context (GRCh38, chr15:60,503,596, plus strand): 5'-TGCTTTTAGAAGCACAATTTGATCATTTTGACACAGTTCCATAAATCCATCAATGCGTTT[G>T]GCAAACTCCACCACATACTGTATAGCTTCTGTAATTTTGATGGCACACAATTGCCACATC-3'
Protein context (NP_599023.1, residues 328-348): TEAIQYVVEF[Ala338=]KRIDGFMELC

ClinVar aggregate classification (germline): Likely benign (0 of 4 stars; one submission).

Conditions:
RORA-related disorder. Also called: RORA-related condition.

Submission:

PreventionGenetics, part of Exact Sciences
Classification: Likely benign for RORA-related condition. Last evaluated: 2019-02-26. Review status: no assertion criteria provided. Collection method: clinical testing. Allele origin: germline.
Comment: This variant is classified as likely benign based on ACMG/AMP sequence variant interpretation guidelines (Richards et al. 2015 PMID: 25741868, with internal and published modifications).